The following is an entry in ClinVar:

ClinVar aggregate classification (germline): Uncertain significance (1 of 4 stars; one submission).

Conditions:
Hereditary pancreatitis (PCTT). Also called: Hereditary chronic pancreatitis; PRSS1-Related Hereditary Pancreatitis. Identifiers: Orphanet 676, MedGen C0238339, MONDO:0008185, OMIM 167800.

Submissions (2):

Ambry Genetics
Classification: Uncertain significance for Hereditary pancreatitis. Last evaluated: 2025-12-11. Review status: criteria provided, single submitter. Criteria: Ambry Variant Classification Scheme 2023. Collection method: clinical testing. Allele origin: germline.
Comment: The p.A152S variant (also known as c.454G>T), located in coding exon 3 of the PRSS1 gene, results from a G to T substitution at nucleotide position 454. The alanine at codon 152 is replaced by serine, an amino acid with similar properties. However, this change occurs in the last base pair of coding exon 3 and may have some effect on normal mRNA splicing. This nucleotide position is not well conserved in available vertebrate species. In silico splice site analysis predicts that this alteration will not have any significant effect on splicing. This amino acid position is not well conserved in available vertebrate species. In addition, as a missense substitution this is predicted to be tolerated by in silico analysis. Based on the available evidence, the clinical significance of this variant remains unclear.

Dr. Peter K. Rogan Lab, Western University
No classification provided (evidence only). Condition: Melanoma. Review status: no classification provided. Collection method: in vitro. Allele origin: not applicable. Functional consequence: retained intron. Not counted in ClinVar's aggregate classification.

NM_002769.5(PRSS1):c.454G>T (p.Ala152Ser)

Genes: PRSS1 (serine protease 1; plus strand), TRB (T cell receptor beta locus; plus strand). Cytogenetic location: 7q34.
Variant type: single nucleotide variant.
Coding change: c.454G>T on transcript NM_002769.5 (MANE Select); coding-DNA position 454, G replaced by T.
Protein change: p.Ala152Ser; replaces alanine 152 with serine.
Molecular consequence: missense variant. On other transcripts: non-coding transcript variant (5).
Genome position (GRCh38, 1-based): chr7:142,752,027, G>T. VCF-style: chr7-142752027-G-T. GRCh37 (hg19) VCF-style: chr7-142459878-G-T.
Other names: NC_000007.13:g.142459878G>T; c.454G>T (NM_002769.4); short protein forms A152S.
Identifiers: ClinVar variation 4334325 (VCV004334325.2).